The following is an entry in ClinVar:

NM_001429.4(EP300):c.3030C>G (p.Thr1010=)

Genes: EP300 (EP300 lysine acetyltransferase; plus strand), LOC126863158 (BRD4-independent group 4 enhancer GRCh37_chr22:41547383-41548582; plus strand). Cytogenetic location: 22q13.2.
Variant type: single nucleotide variant.
Coding change: c.3030C>G on transcript NM_001429.4 (MANE Select); coding-DNA position 3030, C replaced by G.
Protein change: p.Thr1010=; no amino-acid change (threonine 1010 retained).
Molecular consequence: synonymous variant.
Genome position (GRCh38, 1-based): chr22:41,152,238, C>G. VCF-style: chr22-41152238-C-G. GRCh37 (hg19) VCF-style: chr22-41548242-C-G.
Other names: c.2952C>G, p.Thr984= (NM_001362843.2).
Identifiers: ClinVar variation 281394 (VCV000281394.23), dbSNP rs148414681, ClinGen allele CA10253030.

ClinVar aggregate classification (germline): Benign/Likely benign. Review status: criteria provided, multiple submitters, no conflicts (2 of 4 stars). 5 submissions from 5 submitters: Benign (3); Likely benign (1). 1 of the submissions does not count toward it. Last evaluated 2025-11-14.

Conditions:
EP300-related disorder. Also called: EP300-related disorders; EP300-related condition.
Rubinstein-Taybi syndrome due to EP300 haploinsufficiency. Also called: EP300-Related Rubinstein-Taybi Syndrome; RUBINSTEIN-TAYBI SYNDROME 2. Identifiers: Orphanet 353284, Orphanet 783, MedGen C3150941, MONDO:0013364, OMIM 613684.

Allele frequency attached by ClinVar (database versions not stated): ESP Exome Variant Server 0.00169; TOPMed 0.00183; 1000 Genomes Project 0.00240; 1000 Genomes Project 30x 0.00281.

Submissions (5):

Labcorp Genetics (formerly Invitae), Labcorp
Classification: Benign for Rubinstein-Taybi syndrome due to EP300 haploinsufficiency. Last evaluated: 2025-11-14. Review status: criteria provided, single submitter. Criteria: Invitae Variant Classification Sherloc (09022015). Collection method: clinical testing. Allele origin: germline.

Blueprint Genetics
Classification: Likely benign. Last evaluated: 2024-04-30. Review status: criteria provided, single submitter. Criteria: ACMG Guidelines, 2015. Collection method: clinical testing. Allele origin: germline.

GeneDx
Classification: Benign. Last evaluated: 2019-09-24. Review status: criteria provided, single submitter. Criteria: GeneDx Variant Classification Process June 2021. Collection method: clinical testing. Allele origin: germline. Affected: yes.

Eurofins Ntd Llc (ga)
Classification: Benign. Last evaluated: 2015-06-11. Review status: criteria provided, single submitter. Criteria: EGL Classification Definitions 2015. Collection method: clinical testing. Allele origin: germline. Observed: 1 variant allele, 1 heterozygote.

PreventionGenetics, part of Exact Sciences
Classification: Benign for EP300-related condition. Last evaluated: 2021-06-17. Review status: no assertion criteria provided. Collection method: clinical testing. Allele origin: germline. Not counted in ClinVar's aggregate classification.
Comment: This variant is classified as benign based on ACMG/AMP sequence variant interpretation guidelines (Richards et al. 2015 PMID: 25741868, with internal and published modifications).